The following is an entry in ClinVar:

NM_001283009.2(RTEL1):c.2770G>A (p.Gly924Ser)

Genes: RTEL1 (regulator of telomere elongation helicase 1; plus strand), RTEL1-TNFRSF6B (RTEL1-TNFRSF6B readthrough (NMD candidate); plus strand). Cytogenetic location: 20q13.33.
Variant type: single nucleotide variant.
Coding change: c.2770G>A on transcript NM_001283009.2 (MANE Select); coding-DNA position 2770, G replaced by A.
Protein change: p.Gly924Ser; replaces glycine 924 with serine.
Molecular consequence: missense variant. On other transcripts: non-coding transcript variant (1).
Genome position (GRCh38, 1-based): chr20:63,692,922, G>A. VCF-style: chr20-63692922-G-A. GRCh37 (hg19) VCF-style: chr20-62324275-G-A.
Other names: c.2101G>A, p.Gly701Ser (NM_001283010.1); c.2770G>A, p.Gly924Ser (NM_016434.4); c.2842G>A, p.Gly948Ser (NM_032957.5); short protein forms G701S, G948S, G924S.
Identifiers: ClinVar variation 3790967 (VCV003790967.1).

ClinVar aggregate classification (germline): Uncertain significance (1 of 4 stars; one submission).

Conditions:
Inborn genetic diseases. Identifiers: MedGen C0950123, MeSH D030342.

gnomAD v4.1: 8 of 1,612,528 alleles (0.0005%); highest among the groups gnomAD compares: South Asian, 0.0011%; no homozygotes.

Submission:

Ambry Genetics
Classification: Uncertain significance for Inborn genetic diseases. Last evaluated: 2024-12-14. Review status: criteria provided, single submitter. Criteria: Ambry Variant Classification Scheme 2023. Collection method: clinical testing. Allele origin: germline.
Comment: The p.G924S variant (also known as c.2770G>A), located in coding exon 28 of the RTEL1 gene, results from a G to A substitution at nucleotide position 2770. The glycine at codon 924 is replaced by serine, an amino acid with similar properties. This amino acid position is conserved. In addition, this alteration is predicted to be tolerated by in silico analysis. Based on the available evidence, the clinical significance of this variant remains unclear.